The following is an entry in ClinVar:

ClinVar aggregate classification (germline): Uncertain significance. Review status: criteria provided, multiple submitters, no conflicts (2 of 4 stars). 2 submissions from 2 submitters: Uncertain significance (2). Last evaluated 2025-02-01.

Conditions:
Inborn genetic diseases. Identifiers: MedGen C0950123, MeSH D030342.

Allele frequency attached by ClinVar (database versions not stated): gnomAD exomes below 0.00001; TOPMed 0.00002.
gnomAD v4.1: 6 of 1,610,714 alleles (0.00037%); highest among the groups gnomAD compares: Admixed American, 0.005%; no homozygotes.

Submissions (2):

Ambry Genetics
Classification: Uncertain significance for Inborn genetic diseases. Last evaluated: 2025-02-01. Review status: criteria provided, single submitter. Criteria: Ambry Variant Classification Scheme 2023. Collection method: clinical testing. Allele origin: germline.

Labcorp Genetics (formerly Invitae), Labcorp
Classification: Uncertain significance. Last evaluated: 2022-01-11. Review status: criteria provided, single submitter. Criteria: Invitae Variant Classification Sherloc (09022015). Collection method: clinical testing. Allele origin: germline.
Comment: This sequence change replaces arginine, which is basic and polar, with lysine, which is basic and polar, at codon 472 of the GFM1 protein (p.Arg472Lys). This variant is not present in population databases (gnomAD no frequency). This variant has not been reported in the literature in individuals affected with GFM1-related conditions. Algorithms developed to predict the effect of missense changes on protein structure and function are either unavailable or do not agree on the potential impact of this missense change (SIFT: "Deleterious"; PolyPhen-2: "Benign"; Align-GVGD: "Class C0"). In summary, the available evidence is currently insufficient to determine the role of this variant in disease. Therefore, it has been classified as a Variant of Uncertain Significance.

NM_024996.7(GFM1):c.1415G>A (p.Arg472Lys)

Gene: GFM1 (G elongation factor mitochondrial 1; plus strand). Cytogenetic location: 3q25.32.
Variant type: single nucleotide variant.
Coding change: c.1415G>A on transcript NM_024996.7 (MANE Select); coding-DNA position 1415, G replaced by A.
Protein change: p.Arg472Lys; replaces arginine 472 with lysine.
Molecular consequence: missense variant. On other transcripts: non-coding transcript variant (4).
Genome position (GRCh38, 1-based): chr3:158,665,371, G>A. VCF-style: chr3-158665371-G-A. GRCh37 (hg19) VCF-style: chr3-158383160-G-A.
Other names: c.1472G>A, p.Arg491Lys (NM_001308164.2); c.1415G>A, p.Arg472Lys (NM_001308166.2); c.1334G>A, p.Arg445Lys (NM_001374355.1); c.1298G>A, p.Arg433Lys (NM_001374356.1); c.1190G>A, p.Arg397Lys (NM_001374357.1); c.956G>A, p.Arg319Lys (NM_001374358.1); c.848G>A, p.Arg283Lys (NM_001374359.1, NM_001374360.1); c.731G>A, p.Arg244Lys (NM_001374361.1); and 1 more; short protein forms R433K, R472K, R244K, R445K, R283K, R491K, R319K, R397K.
Identifiers: ClinVar variation 1403969 (VCV001403969.4), dbSNP rs796260169, ClinGen allele CA86513246.